The following is an entry in ClinVar:

NM_001243133.2(NLRP3):c.2322-66C>T

Gene: NLRP3 (NLR family pyrin domain containing 3; plus strand). Cytogenetic location: 1q44.
Variant type: single nucleotide variant.
Coding change: c.2322-66C>T on transcript NM_001243133.2 (MANE Select); 66 bases into the intron before coding-DNA position 2322, C replaced by T.
Molecular consequence: intron variant.
Genome position (GRCh38, 1-based): chr1:247,434,037, C>T. VCF-style: chr1-247434037-C-T. GRCh37 (hg19) VCF-style: chr1-247597339-C-T.
Other names: c.2328-66C>T (NM_004895.5); c.2322-66C>T (NM_001127461.3, NM_001079821.3); c.2151-66C>T (NM_001127462.3, NM_183395.3).
Identifiers: ClinVar variation 2628261 (VCV002628261.2), dbSNP rs77719569, ClinGen allele CA40703661.

ClinVar aggregate classification (germline): Benign (1 of 4 stars; one submission).

Allele frequency attached by ClinVar (database versions not stated): gnomAD exomes 0.01150; gnomAD 0.01482.
gnomAD v4.1: 8,629 of 741,882 alleles (1.2%); highest among the groups gnomAD compares: Admixed American, 4.1%; 1,395 homozygotes.

Submission:

Unidad de Genómica Garrahan, Hospital de Pediatría Garrahan
Classification: Benign. Last evaluated: 2023-11-12. Review status: criteria provided, single submitter. Criteria: ACMG Guidelines, 2015. Collection method: clinical testing. Allele origin: germline. Affected: no. Observed: 24 variant alleles.
Comment: This variant is classified as Benign based on local population frequency. This variant was detected in 25% of patients studied by a panel of primary immunodeficiencies. Number of patients: 24. Only high quality variants are reported.